The following is an entry in ClinVar:

ClinVar aggregate classification (germline): Uncertain significance (1 of 4 stars; one submission).

Conditions:
Developmental and epileptic encephalopathy, 54. Also called: Epileptic encephalopathy, early infantile, 54; HNRNPU-Related Neurodevelopmental Disorder. Identifiers: MedGen C4479319, MONDO:0033363, OMIM 617391.

gnomAD v4.1: 1 of 1,600,762 alleles (0.000062%); highest among the groups gnomAD compares: Non-Finnish European, 0.000086%; no homozygotes.

Submission:

Labcorp Genetics (formerly Invitae), Labcorp
Classification: Uncertain significance for Developmental and epileptic encephalopathy, 54. Last evaluated: 2024-11-06. Review status: criteria provided, single submitter. Criteria: Invitae Variant Classification Sherloc (09022015). Collection method: clinical testing. Allele origin: germline.
Comment: This sequence change replaces arginine, which is basic and polar, with cysteine, which is neutral and slightly polar, at codon 360 of the HNRNPU protein (p.Arg360Cys). This variant is present in population databases (no rsID available, gnomAD 0.006%). This variant has not been reported in the literature in individuals affected with HNRNPU-related conditions. ClinVar contains an entry for this variant (Variation ID: 2110198). Invitae Evidence Modeling of protein sequence and biophysical properties (such as structural, functional, and spatial information, amino acid conservation, physicochemical variation, residue mobility, and thermodynamic stability) has been performed for this missense variant. However, the output from this modeling did not meet the statistical confidence thresholds required to predict the impact of this variant on HNRNPU protein function. Algorithms developed to predict the effect of sequence changes on RNA splicing suggest that this variant may disrupt the consensus splice site. In summary, the available evidence is currently insufficient to determine the role of this variant in disease. Therefore, it has been classified as a Variant of Uncertain Significance.

NM_031844.3(HNRNPU):c.1078C>T (p.Arg360Cys)

Gene: HNRNPU (heterogeneous nuclear ribonucleoprotein U; minus strand). Cytogenetic location: 1q44.
Variant type: single nucleotide variant.
Coding change: c.1078C>T on transcript NM_031844.3 (MANE Select); coding-DNA position 1078, C replaced by T.
Protein change: p.Arg360Cys; replaces arginine 360 with cysteine.
Molecular consequence: missense variant.
Genome position (GRCh38, 1-based): chr1:244,859,314, G>A on the plus strand (C>T on the coding strand, the complement: HNRNPU is on the minus strand). VCF-style: chr1-244859314-G-A. GRCh37 (hg19) VCF-style: chr1-245022616-G-A.
Other names: c.1021C>T, p.Arg341Cys (NM_004501.3); short protein forms R341C, R360C.
Identifiers: ClinVar variation 2110198 (VCV002110198.4), dbSNP rs1448881929, ClinGen allele CA345493126.